The following is an entry in ClinVar:

NM_001042492.3(NF1):c.4447G>C (p.Ala1483Pro)

Gene: NF1 (neurofibromin 1; plus strand). Cytogenetic location: 17q11.2.
Variant type: single nucleotide variant.
Coding change: c.4447G>C on transcript NM_001042492.3 (MANE Select); coding-DNA position 4447, G replaced by C.
Protein change: p.Ala1483Pro; replaces alanine 1483 with proline.
Molecular consequence: missense variant.
Genome position (GRCh38, 1-based): chr17:31,260,385, G>C. VCF-style: chr17-31260385-G-C. GRCh37 (hg19) VCF-style: chr17-29587403-G-C.
Other names: c.4384G>C, p.Ala1462Pro (NM_000267.4); short protein forms A1462P, A1483P.
Identifiers: ClinVar variation 2443189 (VCV002443189.3), dbSNP rs1555618808, ClinGen allele CA398999214.

ClinVar aggregate classification (germline): Uncertain significance. Review status: criteria provided, single submitter (1 of 4 stars). 2 submissions from 2 submitters: Uncertain significance (1). 1 of the submissions does not count toward it. Last evaluated 2024-12-06.

Conditions:
Cardiovascular phenotype. Identifiers: MedGen CN230736.
Hereditary cancer-predisposing syndrome. Also called: Neoplastic Syndromes, Hereditary; Hereditary Cancer Syndrome; Tumor predisposition; Hereditary neoplastic syndrome. Identifiers: Orphanet 140162, MedGen C0027672, MeSH D009386, MONDO:0015356.

Submissions (2):

Ambry Genetics
Classification: Uncertain significance for Cardiovascular phenotype; Hereditary cancer-predisposing syndrome. Last evaluated: 2024-12-06. Review status: criteria provided, single submitter. Criteria: Ambry Variant Classification Scheme 2023. Collection method: clinical testing. Allele origin: germline.
Comment: The p.A1462P variant (also known as c.4384G>C), located in coding exon 33 of the NF1 gene, results from a G to C substitution at nucleotide position 4384. The alanine at codon 1462 is replaced by proline, an amino acid with highly similar properties. This amino acid position is highly conserved in available vertebrate species. In addition, this alteration is predicted to be deleterious by in silico analysis. Based on the available evidence, the clinical significance of this variant remains unclear.

Genetic Services Laboratory, University of Chicago
Classification: Uncertain significance. Last evaluated: 2022-06-17. Review status: no assertion criteria provided. Collection method: clinical testing. Allele origin: germline. Affected: no. Not counted in ClinVar's aggregate classification.
Comment: DNA sequence analysis of the NF1 gene demonstrated a sequence change, c.4384G>C, in exon 33 that results in an amino acid change, p.Ala1462Pro. This sequence change does not appear to have been previously described in individuals with NF1-related disorders and has also not been described in population databases such as ExAC and gnomAD. The p.Ala1462Pro change affects a highly conserved amino acid residue located in a domain of the NF1 protein that is known to be functional. In-silico pathogenicity prediction tools (SIFT, PolyPhen2, Align GVGD, REVEL) provide contradictory results for the p.Ala1462Pro substitution. Due to insufficient evidences and the lack of functional studies, the clinical significance of the p.Ala1462Pro change remains unknown at this time.